The following is an entry in ClinVar:

NM_001291867.2(NHS):c.181G>A (p.Val61Ile)

Gene: NHS (NHS actin remodeling regulator; plus strand). Cytogenetic location: Xp22.2.
Variant type: single nucleotide variant.
Coding change: c.181G>A on transcript NM_001291867.2 (MANE Select); coding-DNA position 181, G replaced by A.
Protein change: p.Val61Ile; replaces valine 61 with isoleucine.
Molecular consequence: missense variant.
Genome position (GRCh38, 1-based): chrX:17,375,938, G>A. VCF-style: chrX-17375938-G-A. GRCh37 (hg19) VCF-style: chrX-17394061-G-A.
Other names: c.181G>A, p.Val61Ile (NM_198270.4); short protein forms V61I.
Identifiers: ClinVar variation 1305108 (VCV001305108.2), dbSNP rs1366527238, ClinGen allele CA412484211.

ClinVar aggregate classification (germline): Uncertain significance (1 of 4 stars; one submission).

Allele frequency attached by ClinVar (database versions not stated): TOPMed below 0.00001; gnomAD 0.00001; gnomAD exomes 0.00001 and 0.00002.
gnomAD v4.1: 3 of 1,083,079 alleles (0.00028%); highest among the groups gnomAD compares: Non-Finnish European, 0.00036%; no homozygotes.

Submission:

GeneDx
Classification: Uncertain significance. Last evaluated: 2019-04-23. Review status: criteria provided, single submitter. Criteria: GeneDx Variant Classification Process June 2021. Collection method: clinical testing. Allele origin: germline. Affected: yes.
Comment: In silico analysis, which includes protein predictors and evolutionary conservation, supports that this variant does not alter protein structure/function; Has not been previously published as pathogenic or benign to our knowledge